The following is an entry in ClinVar:

ClinVar aggregate classification (germline): Pathogenic (1 of 4 stars; one submission).

Submission:

Labcorp Genetics (formerly Invitae), Labcorp
Classification: Pathogenic. Last evaluated: 2021-08-18. Review status: criteria provided, single submitter. Criteria: Invitae Variant Classification Sherloc (09022015). Collection method: clinical testing. Allele origin: germline.
Comment: For these reasons, this variant has been classified as Pathogenic. This variant has not been reported in the literature in individuals affected with ABCA4-related conditions. This variant is not present in population databases (ExAC no frequency). This sequence change creates a premature translational stop signal (p.Gly2041Valfs*20) in the ABCA4 gene. It is expected to result in an absent or disrupted protein product. Loss-of-function variants in ABCA4 are known to be pathogenic (PMID: 10958761, 24938718, 25312043, 26780318).

Literature cited by the submitters: PubMed 10958761; PubMed 24938718; PubMed 25312043; PubMed 26780318.

NM_000350.3(ABCA4):c.6122del (p.Gly2041fs)

Gene: ABCA4 (ATP binding cassette subfamily A member 4; minus strand). Cytogenetic location: 1p22.1.
Variant type: Deletion.
Coding change: c.6122del on transcript NM_000350.3 (MANE Select); coding-DNA position 6122, one base deleted (G; older notation c.6122delG).
Protein change: p.Gly2041fs; shifts the reading frame from glycine 2041.
Molecular consequence: frameshift variant.
Genome position (GRCh38, 1-based): chr1:94,005,466, C deleted on the plus strand (G on the coding strand, the reverse complement: ABCA4 is on the minus strand); the first of 2 consecutive C bases (chr1:94,005,466-94,005,467); deleting either gives the same sequence. VCF-style (leftmost placement, unchanged base first): chr1-94005465-AC-A. GRCh37 (hg19) VCF-style: chr1-94471021-AC-A.
Other names: c.5899delG, p.Gly1967Valfs (NM_001425324.1); short protein forms G2041fs.
Identifiers: ClinVar variation 1361400 (VCV001361400.6), dbSNP rs2101000353, ClinGen allele CA2573132681.